The following is an entry in ClinVar:

ClinVar aggregate classification (germline): Conflicting classifications of pathogenicity. Review status: criteria provided, conflicting classifications (1 of 4 stars). 3 submissions from 3 submitters: Uncertain significance (2); Likely benign (1). Last evaluated 2025-10-16.

Conditions:
Hereditary cancer-predisposing syndrome. Also called: Hereditary Cancer Syndrome; Neoplastic Syndromes, Hereditary; Tumor predisposition; Hereditary neoplastic syndrome. Identifiers: Orphanet 140162, MedGen C0027672, MeSH D009386, MONDO:0015356.
Hereditary breast ovarian cancer syndrome. Also called: Hereditary breast and ovarian cancer syndrome; Hereditary breast and ovarian cancer syndrome (HBOC); Hereditary breast and ovarian cancer; Hereditary breast and/or ovarian cancer syndrome; Breast and ovarian cancer; BRCA1- and BRCA2-Associated Hereditary Breast and Ovarian Cancer. Identifiers: Orphanet 145, MedGen C0677776, MeSH D061325, MONDO:0003582. Disease mechanism: loss of function.
Breast-ovarian cancer, familial, susceptibility to, 2 (BROVCA2). Also called: BRCA2 Hereditary Breast and Ovarian Cancer. Identifiers: Orphanet 145, MedGen C2675520, MONDO:0012933, OMIM 612555. Disease mechanism: loss of function.

Submissions (3):

Ambry Genetics
Classification: Uncertain significance for Hereditary cancer-predisposing syndrome. Last evaluated: 2025-10-16. Review status: criteria provided, single submitter. Criteria: Ambry Variant Classification Scheme 2023. Collection method: clinical testing. Allele origin: germline.
Comment: The p.H166R variant (also known as c.497A>G), located in coding exon 5 of the BRCA2 gene, results from an A to G substitution at nucleotide position 497. The histidine at codon 166 is replaced by arginine, an amino acid with highly similar properties. This amino acid position is conserved. In addition, this alteration is predicted to be tolerated by in silico analysis. Since supporting evidence is limited at this time, the clinical significance of this alteration remains unclear.

Myriad Genetics, Inc.
Classification: Likely benign for Breast-ovarian cancer, familial, susceptibility to, 2. Last evaluated: 2023-11-22. Review status: criteria provided, single submitter. Criteria: Myriad Autosomal Dominant, Autosomal Recessive and X-Linked Classification Criteria (2023). Collection method: clinical testing. Allele origin: unknown.
Comment: This variant is considered likely benign. Homozygosity for this variant has been confirmed in one or more individuals lacking clinical features consistent with gene-specific recessive disease, indicating that this variant is unlikely to be pathogenic.

Labcorp Genetics (formerly Invitae), Labcorp
Classification: Uncertain significance for Hereditary breast ovarian cancer syndrome. Last evaluated: 2018-07-29. Review status: criteria provided, single submitter. Criteria: Invitae Variant Classification Sherloc (09022015). Collection method: clinical testing. Allele origin: germline.
Comment: Algorithms developed to predict the effect of missense changes on protein structure and function are either unavailable or do not agree on the potential impact of this missense change (SIFT: "Tolerated"; PolyPhen-2: "Probably Damaging"; Align-GVGD: "Class C0"). In summary, the available evidence is currently insufficient to determine the role of this variant in disease. Therefore, it has been classified as a Variant of Uncertain Significance. This variant has not been reported in the literature in individuals with BRCA2-related disease. This variant is not present in population databases (ExAC no frequency). This sequence change replaces histidine with arginine at codon 166 of the BRCA2 protein (p.His166Arg). The histidine residue is weakly conserved and there is a small physicochemical difference between histidine and arginine.

NM_000059.4(BRCA2):c.497A>G (p.His166Arg)

Gene: BRCA2 (BRCA2 DNA repair associated; plus strand). Cytogenetic location: 13q13.1.
Variant type: single nucleotide variant.
Coding change: c.497A>G on transcript NM_000059.4 (MANE Select); coding-DNA position 497, A replaced by G.
Protein change: p.His166Arg; replaces histidine 166 with arginine.
Molecular consequence: missense variant.
Genome position (GRCh38, 1-based): chr13:32,326,263, A>G. VCF-style: chr13-32326263-A-G. GRCh37 (hg19) VCF-style: chr13-32900400-A-G.
Other names: short protein forms H166R.
Identifiers: ClinVar variation 639112 (VCV000639112.13), dbSNP rs876658364, ClinGen allele CA387757685.